The following is an entry in ClinVar:

ClinVar aggregate classification (germline): Uncertain significance (1 of 4 stars; one submission).

Conditions:
Alpha thalassemia-X-linked intellectual disability syndrome (ATRX). Also called: ALPHA-THALASSEMIA/MENTAL RETARDATION SYNDROME, X-LINKED; ATR, NONDELETION TYPE; ATR-X syndrome; Alpha thalassemia mental retardation syndrome, nondeletion type, X-linked; XLMR hypotonic face syndrome; X-linked alpha-thalassemia-mental retardation syndrome. Identifiers: Orphanet 847, MedGen C1845055, MONDO:0010519, OMIM 301040.

gnomAD v4.1: 4 of 1,210,928 alleles (0.00033%); highest among the groups gnomAD compares: Non-Finnish European, 0.00045%; no homozygotes.

Submission:

Labcorp Genetics (formerly Invitae), Labcorp
Classification: Uncertain significance for Alpha thalassemia-X-linked intellectual disability syndrome. Last evaluated: 2025-06-14. Review status: criteria provided, single submitter. Criteria: Invitae Variant Classification Sherloc (09022015). Collection method: clinical testing. Allele origin: germline.
Comment: This sequence change replaces threonine, which is neutral and polar, with serine, which is neutral and polar, at codon 340 of the ATRX protein (p.Thr340Ser). This variant is not present in population databases (gnomAD no frequency). This variant has not been reported in the literature in individuals affected with ATRX-related conditions. Invitae Evidence Modeling of protein sequence and biophysical properties (such as structural, functional, and spatial information, amino acid conservation, physicochemical variation, residue mobility, and thermodynamic stability) indicates that this missense variant is not expected to disrupt ATRX protein function with a negative predictive value of 95%. In summary, the available evidence is currently insufficient to determine the role of this variant in disease. Therefore, it has been classified as a Variant of Uncertain Significance.

NM_000489.6(ATRX):c.1019C>G (p.Thr340Ser)

Gene: ATRX (ATRX chromatin remodeler; minus strand). Cytogenetic location: Xq21.1.
Variant type: single nucleotide variant.
Coding change: c.1019C>G on transcript NM_000489.6 (MANE Select); coding-DNA position 1019, C replaced by G.
Protein change: p.Thr340Ser; replaces threonine 340 with serine.
Molecular consequence: missense variant.
Genome position (GRCh38, 1-based): chrX:77,684,237, G>C on the plus strand (C>G on the coding strand, the complement: ATRX is on the minus strand). VCF-style: chrX-77684237-G-C. GRCh37 (hg19) VCF-style: chrX-76939729-G-C.
Other names: c.905C>G, p.Thr302Ser (NM_138270.5); short protein forms T302S, T340S.
Identifiers: ClinVar variation 4707611 (VCV004707611.1).